The following is an entry in ClinVar:

NM_030632.3(ASXL3):c.3263del (p.Gly1088fs)

Gene: ASXL3 (ASXL transcriptional regulator 3; plus strand). Cytogenetic location: 18q12.1.
Variant type: Deletion.
Coding change: c.3263del on transcript NM_030632.3 (MANE Select); coding-DNA position 3263, one base deleted (G; older notation c.3263delG).
Protein change: p.Gly1088fs; shifts the reading frame from glycine 1088.
Molecular consequence: frameshift variant.
Genome position (GRCh38, 1-based): chr18:33,743,111, G deleted; the last of 3 consecutive G bases (chr18:33,743,109-33,743,111); deleting any one gives the same sequence. VCF-style (leftmost placement, unchanged base first): chr18-33743108-TG-T. GRCh37 (hg19) VCF-style: chr18-31323072-TG-T.
Other names: short protein forms G1088fs.
Identifiers: ClinVar variation 1075252 (VCV001075252.9), dbSNP rs2145423515, ClinGen allele CA2499225134.

ClinVar aggregate classification (germline): Pathogenic (1 of 4 stars; one submission).

Submission:

Labcorp Genetics (formerly Invitae), Labcorp
Classification: Pathogenic. Last evaluated: 2020-04-26. Review status: criteria provided, single submitter. Criteria: Invitae Variant Classification Sherloc (09022015). Collection method: clinical testing. Allele origin: germline.
Comment: For these reasons, this variant has been classified as Pathogenic. This variant disrupts the C-terminus of the ASXL3 protein. Other variant(s) that disrupt this region (p.Glu1718Glyfs*10) have been determined to be pathogenic (Invitae). This suggests that variants that disrupt this region of the protein are likely to be causative of disease. This variant has not been reported in the literature in individuals with ASXL3-related conditions. This variant is not present in population databases (ExAC no frequency). This sequence change results in a premature translational stop signal in the ASXL3 gene (p.Gly1088Glufs*55). While this is not anticipated to result in nonsense mediated decay, it is expected to disrupt the last 1161 amino acids of the ASXL3 protein.